The following is an entry in ClinVar:

NM_021930.6(RINT1):c.430G>C (p.Asp144His)

Gene: RINT1 (RAD50 interactor 1; plus strand). Cytogenetic location: 7q22.3.
Variant type: single nucleotide variant.
Coding change: c.430G>C on transcript NM_021930.6 (MANE Select); coding-DNA position 430, G replaced by C.
Protein change: p.Asp144His; replaces aspartic acid 144 with histidine.
Molecular consequence: missense variant. On other transcripts: 5 prime UTR variant (3), non-coding transcript variant (1).
Genome position (GRCh38, 1-based): chr7:105,542,564, G>C. VCF-style: chr7-105542564-G-C. GRCh37 (hg19) VCF-style: chr7-105183011-G-C.
Other names: c.196G>C, p.Asp66His (NM_001346599.2); c.-590G>C (NM_001346600.2); c.-493G>C (NM_001346601.2); c.-113G>C (NM_001346603.2); short protein forms D144H, D66H.
Identifiers: ClinVar variation 2448412 (VCV002448412.3), dbSNP rs139214585, ClinGen allele CA368803613.

ClinVar aggregate classification (germline): Uncertain significance (1 of 4 stars; one submission).

gnomAD v4.1: 2 of 1,614,102 alleles (0.00012%); highest among the groups gnomAD compares: Non-Finnish European, 0.000085%; no homozygotes.

Submission:

Ambry Genetics
Classification: Uncertain significance. Last evaluated: 2025-04-12. Review status: criteria provided, single submitter. Criteria: Ambry Variant Classification Scheme 2023. Collection method: clinical testing. Allele origin: germline.
Comment: The p.D144H variant (also known as c.430G>C), located in coding exon 4 of the RINT1 gene, results from a G to C substitution at nucleotide position 430. The aspartic acid at codon 144 is replaced by histidine, an amino acid with similar properties. This amino acid position is conserved. In addition, this alteration is predicted to be tolerated by in silico analysis. Since supporting evidence is limited at this time, the clinical significance of this alteration remains unclear.